The following is an entry in ClinVar:

ClinVar aggregate classification (germline): Uncertain significance (1 of 4 stars; one submission).

Conditions:
Charcot-Marie-Tooth disease type 4. Also called: Charcot-Marie-Tooth disease, type IV; Charcot-Marie-Tooth, Type 4. Identifiers: Orphanet 64749, MedGen C4082197, MONDO:0018995.

Submission:

Labcorp Genetics (formerly Invitae), Labcorp
Classification: Uncertain significance for Charcot-Marie-Tooth disease type 4. Last evaluated: 2022-08-03. Review status: criteria provided, single submitter. Criteria: Invitae Variant Classification Sherloc (09022015). Collection method: clinical testing. Allele origin: germline.
Comment: This sequence change replaces glutamic acid, which is acidic and polar, with aspartic acid, which is acidic and polar, at codon 413 of the FGD4 protein (p.Glu413Asp). This variant is not present in population databases (gnomAD no frequency). This variant has not been reported in the literature in individuals affected with FGD4-related conditions. Algorithms developed to predict the effect of missense changes on protein structure and function are either unavailable or do not agree on the potential impact of this missense change (SIFT: "Deleterious"; PolyPhen-2: "Benign"; Align-GVGD: "Class C35"). In summary, the available evidence is currently insufficient to determine the role of this variant in disease. Therefore, it has been classified as a Variant of Uncertain Significance.

NM_001370298.3(FGD4):c.1650A>C (p.Glu550Asp)

Gene: FGD4 (FYVE, RhoGEF and PH domain containing 4; plus strand). Cytogenetic location: 12p11.21.
Variant type: single nucleotide variant.
Coding change: c.1650A>C on transcript NM_001370298.3 (MANE Select); coding-DNA position 1650, A replaced by C.
Protein change: p.Glu550Asp; replaces glutamic acid 550 with aspartic acid.
Molecular consequence: missense variant.
Genome position (GRCh38, 1-based): chr12:32,611,184, A>C. VCF-style: chr12-32611184-A-C. GRCh37 (hg19) VCF-style: chr12-32764118-A-C.
Other names: c.207A>C, p.Glu69Asp (NM_001304484.2); c.960A>C, p.Glu320Asp (NM_001330373.2, NM_001330374.2, NM_001384130.1); c.687A>C, p.Glu229Asp (NM_001370297.1); c.1650A>C, p.Glu550Asp (NM_001384126.1); c.1239A>C, p.Glu413Asp (NM_001384127.1, NM_001384128.1, NM_001385118.1 and 1 more transcripts); c.1494A>C, p.Glu498Asp (NM_001304481.2); c.495A>C, p.Glu165Asp (NM_001304483.2); short protein forms E498D, E550D, E165D, E229D, E320D, E413D, E69D.
Identifiers: ClinVar variation 2141629 (VCV002141629.4), dbSNP rs1208112274, ClinGen allele CA384361044.
Genomic context (GRCh38, chr12:32,611,184, plus strand): 5'-TTTAATTTCCTAGGAGAACCTAAAGAAACTCTTAGAGATTTATGAAATGTTGGGAGAAGA[A>C]GAAGACATTGTAAACCCTTCAAATGAACTAATAAAAGAAGGACAGATCCTCAAACTAGCT-3'
Protein context (NP_001357227.2, residues 540-560): LLEIYEMLGE[Glu550Asp]EDIVNPSNEL